The following is an entry in ClinVar:

NM_015443.4(KANSL1):c.2827C>T (p.Arg943Trp)

Gene: KANSL1 (KAT8 regulatory NSL complex subunit 1). Cytogenetic location: 17q21.31.
Variant type: single nucleotide variant.
Coding change: c.2827C>T on transcript NM_015443.4 (MANE Select); coding-DNA position 2827, C replaced by T.
Protein change: p.Arg943Trp; replaces arginine 943 with tryptophan.
Molecular consequence: missense variant.
Genome position (GRCh38, 1-based): chr17:46,033,090, G>A on the plus strand (C>T on the coding strand, the complement: KANSL1 is on the minus strand). VCF-style: chr17-46033090-G-A. GRCh37 (hg19) VCF-style: chr17-44110456-G-A.
Other names: c.1558C>T, p.Arg520Trp (NM_001405883.1); c.1372C>T, p.Arg458Trp (NM_001405884.1); c.1369C>T, p.Arg457Trp (NM_001405885.1); c.2638C>T, p.Arg880Trp (NM_001405876.1, NM_001405877.1, NM_001405878.1 and 1 more transcripts); c.2635C>T, p.Arg879Trp (NM_001405879.1, NM_001405880.1); c.2722C>T, p.Arg908Trp (NM_001405881.1, NM_001405861.1); c.1561C>T, p.Arg521Trp (NM_001405882.1); c.2824C>T, p.Arg942Trp (NM_001193465.2, NM_001405856.1, NM_001405857.1 and 1 more transcripts); and 2 more; short protein forms R457W, R458W, R520W, R521W, R879W, R880W, R908W, R909W.
Identifiers: ClinVar variation 2413105 (VCV002413105.3), dbSNP rs1324147964, ClinGen allele CA399987476.

ClinVar aggregate classification (germline): Likely pathogenic (1 of 4 stars; one submission).

gnomAD v4.1: 8 of 1,583,794 alleles (0.00051%); highest among the groups gnomAD compares: African/African-American, 0.0027%; no homozygotes.

Submission:

GeneDx
Classification: Likely pathogenic. Last evaluated: 2025-12-29. Review status: criteria provided, single submitter. Criteria: GeneDx Variant Classification Process June 2021. Collection method: clinical testing. Allele origin: germline.
Comment: In silico analysis supports that this missense variant has a deleterious effect on protein structure/function; Missense variant in a gene in which most reported pathogenic variants are truncating/loss of function; Has not been previously published as pathogenic or benign to our knowledge